The following is an entry in ClinVar:

ClinVar aggregate classification (germline): Conflicting classifications of pathogenicity. Review status: criteria provided, conflicting classifications (1 of 4 stars). 8 submissions from 8 submitters: Uncertain significance (6); Likely benign (1). 1 of the submissions does not count toward it. Last evaluated 2025-12-08.

Conditions:
Familial colorectal cancer type X. Identifiers: Orphanet 440437, MedGen C3896578, MONDO:0018604.
Hereditary cancer-predisposing syndrome. Also called: Neoplastic Syndromes, Hereditary; Hereditary Cancer Syndrome; Hereditary neoplastic syndrome; Tumor predisposition. Identifiers: Orphanet 140162, MedGen C0027672, MeSH D009386, MONDO:0015356.
Familial cancer of breast. Also called: Hereditary breast cancer; hereditary breast carcinoma; BREAST CANCER, FAMILIAL. Identifiers: Orphanet 227535, MedGen C0346153, MONDO:0016419, OMIM 114480. Disease mechanism: loss of function.
Ataxia-telangiectasia syndrome (AT). Also called: Cerebello-oculocutaneous telangiectasia; Immunodeficiency with ataxia telangiectasia; Ataxia-telangiectasia, complementation group D; AT, COMPLEMENTATION GROUP C; ATAXIA-TELANGIECTASIA, FRESNO VARIANT; ATAXIA-TELANGIECTASIA, COMPLEMENTATION GROUP A. Identifiers: Orphanet 100, MedGen C0004135, MONDO:0008840, OMIM 208900.
Hereditary breast ovarian cancer syndrome. Also called: Hereditary breast and ovarian cancer syndrome; Hereditary breast and/or ovarian cancer syndrome; BRCA1- and BRCA2-Associated Hereditary Breast and Ovarian Cancer; Hereditary breast and ovarian cancer; Breast and ovarian cancer; Hereditary breast and ovarian cancer syndrome (HBOC). Identifiers: Orphanet 145, MedGen C0677776, MeSH D061325, MONDO:0003582. Disease mechanism: loss of function.

Allele frequency attached by ClinVar (database versions not stated): gnomAD exomes 0.00001; TOPMed 0.00001; gnomAD 0.00003.
gnomAD v4.1: 3 of 1,614,114 alleles (0.00019%); highest among the groups gnomAD compares: Middle Eastern, 0.017%; no homozygotes.

Submissions (8):

Labcorp Genetics (formerly Invitae), Labcorp
Classification: Uncertain significance for Ataxia-telangiectasia syndrome. Last evaluated: 2025-12-08. Review status: criteria provided, single submitter. Criteria: Invitae Variant Classification Sherloc (09022015). Collection method: clinical testing. Allele origin: germline.
Comment: This sequence change replaces cysteine, which is neutral and slightly polar, with arginine, which is basic and polar, at codon 669 of the ATM protein (p.Cys669Arg). This variant is present in population databases (rs587782141, gnomAD 0.007%). This variant has not been reported in the literature in individuals affected with ATM-related conditions. ClinVar contains an entry for this variant (Variation ID: 141958). Invitae Evidence Modeling of protein sequence and biophysical properties (such as structural, functional, and spatial information, amino acid conservation, physicochemical variation, residue mobility, and thermodynamic stability) indicates that this missense variant is not expected to disrupt ATM protein function with a negative predictive value of 95%. In summary, the available evidence is currently insufficient to determine the role of this variant in disease. Therefore, it has been classified as a Variant of Uncertain Significance.

German Consortium for Hereditary Breast and Ovarian Cancer, University Hospital Cologne
Classification: Uncertain significance for Hereditary breast ovarian cancer syndrome. Last evaluated: 2024-06-10. Review status: criteria provided, single submitter. Criteria: ClinGen ATM V1.1.0. Collection method: curation. Allele origin: germline.
Comment: According to the ClinGen ACMG ATM v1.1.0 criteria we chose these criteria: PM2 (supporting pathogenic): not in gnomAD, BP4 (supporting benign): Revel=0.058

Fulgent Genetics
Classification: Uncertain significance for Familial cancer of breast; Ataxia-telangiectasia syndrome. Last evaluated: 2024-06-09. Review status: criteria provided, single submitter. Criteria: ACMG Guidelines, 2015. Collection method: clinical testing. Allele origin: germline.

Ambry Genetics
Classification: Likely benign for Hereditary cancer-predisposing syndrome. Last evaluated: 2024-03-21. Review status: criteria provided, single submitter. Criteria: Ambry Variant Classification Scheme 2023. Collection method: clinical testing. Allele origin: germline.

Color Diagnostics, LLC DBA Color Health
Classification: Uncertain significance for Hereditary cancer-predisposing syndrome. Last evaluated: 2022-08-22. Review status: criteria provided, single submitter. Criteria: ACMG Guidelines, 2015. Collection method: clinical testing. Allele origin: germline.
Comment: This missense variant replaces cysteine with arginine at codon 669 of the ATM protein. Computational prediction suggests that this variant may not impact protein structure and function (internally defined REVEL score threshold <= 0.5, PMID: 27666373). To our knowledge, functional studies have not been reported for this variant. In a large international case-control study, this variant was reported in 1/60466 breast cancer cases and absent in 53461 controls (PMID: 33471991). This variant has been identified in 1/31398 chromosomes in the general population by the Genome Aggregation Database (gnomAD). The available evidence is insufficient to determine the role of this variant in disease conclusively. Therefore, this variant is classified as a Variant of Uncertain Significance.

Department of Pathology and Laboratory Medicine, Sinai Health System
Classification: Uncertain significance for Familial colorectal cancer type X. Last evaluated: 2021-06-23. Review status: criteria provided, single submitter. Criteria: ACMG Guidelines, 2015. Collection method: clinical testing. Allele origin: germline. Affected: yes.

GeneDx
Classification: Uncertain significance. Last evaluated: 2017-10-17. Review status: criteria provided, single submitter. Criteria: GeneDx Variant Classification (06012015). Collection method: clinical testing. Allele origin: germline. Affected: yes.
Comment: This variant is denoted ATM c.2005T>C at the cDNA level, p.Cys669Arg (C669R) at the protein level, and results in the change of a Cysteine to an Arginine (TGT>CGT). This variant has not, to our knowledge, been published in the literature as pathogenic or benign. This variant was not observed at a significant allele frequency in large population cohorts (Lek 2016). Since Cysteine and Arginine differ in polarity, charge, size or other properties, this is considered a non-conservative amino acid substitution. ATM Cys669Arg occurs at a position that is not conserved and is not located in a known functional domain. In silico analyses predict that this variant is unlikely to alter protein structure or function. Based on currently available evidence, it is unclear whether ATM Cys669Arg is a pathogenic or benign variant. We consider it to be a variant of uncertain significance.

Natera, Inc.
Classification: Uncertain significance for Ataxia-telangiectasia. Last evaluated: 2020-12-10. Review status: no assertion criteria provided. Collection method: clinical testing. Allele origin: germline. Not counted in ClinVar's aggregate classification.

Literature cited by the submitters: PubMed 33471991 (cited by Color Diagnostics, LLC DBA Color Health and Department of Pathology and Laboratory Medicine, Sinai Health System).

NM_000051.4(ATM):c.2005T>C (p.Cys669Arg)

Gene: ATM (ATM serine/threonine kinase; plus strand). Cytogenetic location: 11q22.3.
Variant type: single nucleotide variant.
Coding change: c.2005T>C on transcript NM_000051.4 (MANE Select); coding-DNA position 2005, T replaced by C.
Protein change: p.Cys669Arg; replaces cysteine 669 with arginine.
Molecular consequence: missense variant.
Genome position (GRCh38, 1-based): chr11:108,253,920, T>C. VCF-style: chr11-108253920-T-C. GRCh37 (hg19) VCF-style: chr11-108124647-T-C.
Other names: c.2005T>C, p.Cys669Arg (NM_001351834.2); short protein forms C669R.
Identifiers: ClinVar variation 141958 (VCV000141958.25), dbSNP rs587782141, ClinGen allele CA166922.